The following is an entry in ClinVar:

ClinVar aggregate classification (germline): Uncertain significance (1 of 4 stars; one submission).

Conditions:
Primary ciliary dyskinesia. Also called: Ciliary dyskinesia. Identifiers: Orphanet 244, MedGen C0008780, MONDO:0016575, HP:0012265.

Allele frequency attached by ClinVar (database versions not stated): ExAC 0.00005; TOPMed 0.00008; gnomAD 0.00013; 1000 Genomes Project 30x 0.00047; 1000 Genomes Project 0.00060.
gnomAD v4.1: 42 of 1,613,562 alleles (0.0026%); highest among the groups gnomAD compares: African/African-American, 0.047%; no homozygotes.

Submission:

Ambry Genetics
Classification: Uncertain significance for Primary ciliary dyskinesia. Last evaluated: 2024-02-03. Review status: criteria provided, single submitter. Criteria: Ambry Variant Classification Scheme 2023. Collection method: clinical testing. Allele origin: germline.
Comment: The p.A60V variant (also known as c.179C>T), located in coding exon 3 of the CCDC40 gene, results from a C to T substitution at nucleotide position 179. The alanine at codon 60 is replaced by valine, an amino acid with similar properties. This amino acid position is conserved. In addition, this alteration is predicted to be tolerated by in silico analysis. Based on the available evidence, the clinical significance of this alteration remains unclear.

NM_017950.4(CCDC40):c.179C>T (p.Ala60Val)

Gene: CCDC40 (coiled-coil domain 40 molecular ruler complex subunit; plus strand). Cytogenetic location: 17q25.3.
Variant type: single nucleotide variant.
Coding change: c.179C>T on transcript NM_017950.4 (MANE Select); coding-DNA position 179, C replaced by T.
Protein change: p.Ala60Val; replaces alanine 60 with valine.
Molecular consequence: missense variant.
Genome position (GRCh38, 1-based): chr17:80,039,897, C>T. VCF-style: chr17-80039897-C-T. GRCh37 (hg19) VCF-style: chr17-78013696-C-T.
Other names: c.179C>T, p.Ala60Val (NM_001243342.2, NM_001330508.2); short protein forms A60V.
Identifiers: ClinVar variation 3227110 (VCV003227110.1), dbSNP rs567452648, ClinGen allele CA8813389.